The following is an entry in ClinVar:

ClinVar aggregate classification (germline): Benign/Likely benign. Review status: criteria provided, multiple submitters, no conflicts (2 of 4 stars). 4 submissions from 4 submitters: Benign (1); Likely benign (3). Last evaluated 2025-12-12.

Conditions:
Hereditary cancer-predisposing syndrome. Also called: Neoplastic Syndromes, Hereditary; Tumor predisposition; Hereditary Cancer Syndrome; Hereditary neoplastic syndrome. Identifiers: Orphanet 140162, MedGen C0027672, MeSH D009386, MONDO:0015356.
Familial cancer of breast. Also called: BREAST CANCER, FAMILIAL; hereditary breast carcinoma; Hereditary breast cancer. Identifiers: Orphanet 227535, MedGen C0346153, MONDO:0016419, OMIM 114480. Disease mechanism: loss of function.

Allele frequency attached by ClinVar (database versions not stated): TOPMed below 0.00001; gnomAD 0.00001.
gnomAD v4.1: 1 of 1,614,032 alleles (0.000062%); highest among the groups gnomAD compares: African/African-American, 0.0013%; no homozygotes.

Submissions (4):

Labcorp Genetics (formerly Invitae), Labcorp
Classification: Likely benign for Familial cancer of breast. Last evaluated: 2025-12-12. Review status: criteria provided, single submitter. Criteria: Invitae Variant Classification Sherloc (09022015). Collection method: clinical testing. Allele origin: germline.

Myriad Genetics, Inc.
Classification: Benign for Familial cancer of breast. Last evaluated: 2025-01-13. Review status: criteria provided, single submitter. Criteria: Myriad Autosomal Dominant, Autosomal Recessive and X-Linked Classification Criteria (2023). Collection method: clinical testing. Allele origin: unknown.
Comment: This variant is considered benign. This variant is a silent/synonymous amino acid change and it is not expected to impact splicing.

Color Diagnostics, LLC DBA Color Health
Classification: Likely benign for Hereditary cancer-predisposing syndrome. Last evaluated: 2020-12-02. Review status: criteria provided, single submitter. Criteria: ACMG Guidelines, 2015. Collection method: clinical testing. Allele origin: germline.

Ambry Genetics
Classification: Likely benign for Hereditary cancer-predisposing syndrome. Last evaluated: 2015-08-14. Review status: criteria provided, single submitter. Criteria: Ambry Variant Classification Scheme 2023. Collection method: clinical testing. Allele origin: germline.

NM_024675.4(PALB2):c.1263G>A (p.Arg421=)

Gene: PALB2 (partner and localizer of BRCA2; minus strand). Cytogenetic location: 16p12.2.
Variant type: single nucleotide variant.
Coding change: c.1263G>A on transcript NM_024675.4 (MANE Select); coding-DNA position 1263, G replaced by A.
Protein change: p.Arg421=; no amino-acid change (arginine 421 retained).
Molecular consequence: synonymous variant.
Genome position (GRCh38, 1-based): chr16:23,635,283, C>T on the plus strand (G>A on the coding strand, the complement: PALB2 is on the minus strand). VCF-style: chr16-23635283-C-T. GRCh37 (hg19) VCF-style: chr16-23646604-C-T.
Identifiers: ClinVar variation 233366 (VCV000233366.18), dbSNP rs876660359, ClinGen allele CA10580014.